The following is an entry in ClinVar:

ClinVar aggregate classification (germline): Uncertain significance (1 of 4 stars; one submission).

Conditions:
IGSF10-related disorder. Also called: IGSF10-related condition.

Allele frequency attached by ClinVar (database versions not stated): gnomAD exomes below 0.00001; TOPMed 0.00001.
gnomAD v4.1: 3 of 1,614,144 alleles (0.00019%); highest among the groups gnomAD compares: South Asian, 0.0011%; no homozygotes.

Submission:

PreventionGenetics, part of Exact Sciences
Classification: Uncertain significance for IGSF10-related condition. Last evaluated: 2023-10-01. Review status: criteria provided, single submitter. Criteria: ACMG Guidelines, 2015. Collection method: clinical testing. Allele origin: germline.
Comment: The IGSF10 c.6073G>C variant is predicted to result in the amino acid substitution p.Asp2025His. To our knowledge, this variant has not been reported in the literature or in a large population database, indicating this variant is rare. At this time, the clinical significance of this variant is uncertain due to the absence of conclusive functional and genetic evidence.

NM_178822.5(IGSF10):c.6073G>C (p.Asp2025His)

Gene: IGSF10 (immunoglobulin superfamily member 10; minus strand). Cytogenetic location: 3q25.1.
Variant type: single nucleotide variant.
Coding change: c.6073G>C on transcript NM_178822.5 (MANE Select); coding-DNA position 6073, G replaced by C.
Protein change: p.Asp2025His; replaces aspartic acid 2025 with histidine.
Molecular consequence: missense variant.
Genome position (GRCh38, 1-based): chr3:151,438,488, C>G on the plus strand (G>C on the coding strand, the complement: IGSF10 is on the minus strand). VCF-style: chr3-151438488-C-G. GRCh37 (hg19) VCF-style: chr3-151156276-C-G.
Other names: c.10G>C, p.Asp4His (NM_001178145.3, NM_001178146.3); c.6073G>C, p.Asp2025His (NM_001385060.1, NM_001385061.1, NM_001385062.1 and 1 more transcripts); short protein forms D2025H, D4H.
Identifiers: ClinVar variation 2635003 (VCV002635003.1), dbSNP rs1250645061, ClinGen allele CA354992172.
Genomic context (GRCh38, chr3:151,438,488, plus strand): 5'-ACTGCTTGTGGTCAATTTTGGCAGGTTTCAGTCTTAGGCTAACATGCATCAGTATCAGAT[C>G]ATCCCCCATTTTGTTTCTTGCCACACACAAGTAGACACCACTGTCTTTTTCTGTTACTGA-3'
Protein context (NP_849144.2, residues 2015-2035): LCVARNKMGD[Asp2025His]LILMHVSLRL